The following is an entry in ClinVar:

ClinVar aggregate classification (germline): Benign. Review status: criteria provided, multiple submitters, no conflicts (2 of 4 stars). 12 submissions from 12 submitters: Benign (9). 3 of the submissions do not count toward it. Last evaluated 2026-02-04.

Conditions:
Nephrogenic diabetes insipidus. Identifiers: Orphanet 223, MedGen C0162283, MONDO:0016383, HP:0009806.
Diabetes insipidus, nephrogenic, autosomal (NDI2). Also called: Nephrogenic Diabetes Insipidus, Type II; Diabetes insipidus, nephrogenic, 2, autosomal. Identifiers: Orphanet 223, MedGen C1563706, MONDO:0007451, OMIM 125800.

Allele frequency attached by ClinVar (database versions not stated): ESP Exome Variant Server 0.15242; TOPMed 0.16140; gnomAD 0.16237 and 0.16968; gnomAD exomes 0.19661; 1000 Genomes Project 30x 0.20222; 1000 Genomes Project 0.21086; ExAC 0.22178.
gnomAD v4.1: 298,734 of 1,600,584 alleles (19%); highest among the groups gnomAD compares: East Asian, 37%; 30,538 homozygotes.

Submissions (12):

Labcorp Genetics (formerly Invitae), Labcorp
Classification: Benign. Last evaluated: 2026-02-04. Review status: criteria provided, single submitter. Criteria: Invitae Variant Classification Sherloc (09022015). Collection method: clinical testing. Allele origin: germline.

Blueprint Genetics
Classification: Benign. Last evaluated: 2024-11-27. Review status: criteria provided, single submitter. Criteria: ACMG Guidelines, 2015. Collection method: clinical testing. Allele origin: germline.

Mayo Clinic Laboratories, Mayo Clinic
Classification: Benign. Last evaluated: 2022-11-16. Review status: criteria provided, single submitter. Criteria: ACMG Guidelines, 2015. Collection method: clinical testing. Allele origin: germline. Observed: 59 variant alleles.
Comment: BA1, BP4, BP7

Genome-Nilou Lab
Classification: Benign for Diabetes insipidus, nephrogenic, autosomal. Last evaluated: 2021-07-10. Review status: criteria provided, single submitter. Criteria: ACMG Guidelines, 2015. Collection method: clinical testing. Allele origin: germline. Affected: no.

GeneDx
Classification: Benign. Last evaluated: 2018-11-10. Review status: criteria provided, single submitter. Criteria: GeneDx Variant Classification Process June 2021. Collection method: clinical testing. Allele origin: germline. Affected: yes.
Comment: This variant is associated with the following publications: (PMID: 27884173, 20814834)

Illumina Laboratory Services, Illumina
Classification: Benign for Diabetes insipidus, nephrogenic, autosomal. Last evaluated: 2017-04-27. Review status: criteria provided, single submitter. Criteria: ICSL Variant Classification Criteria 13 December 2019. Collection method: clinical testing. Allele origin: germline.
Comment: This variant was observed as part of a predisposition screen in an ostensibly healthy population. A literature search was performed for the gene, cDNA change, and amino acid change (where applicable). No publications were found based on this search. Allele frequency data from public databases was too high to be consistent with this variant causing disease. Therefore, this variant is classified as benign.

Genome Diagnostics Laboratory, University Medical Center Utrecht
Classification: Benign for Diabetes insipidus, nephrogenic, autosomal. Last evaluated: 2014-10-09. Review status: criteria provided, single submitter. Criteria: ACGS Guidelines, 2013. Collection method: clinical testing. Allele origin: germline. Affected: yes. Study: VKGL Data-share Consensus.

Breakthrough Genomics
Classification: Benign. Review status: criteria provided, single submitter. Criteria: ACMG Guidelines, 2015. Collection method: not provided. Allele origin: germline. Inheritance: Autosomal dominant inheritance. Affected: yes.

PreventionGenetics, part of Exact Sciences
Classification: Benign. Review status: criteria provided, single submitter. Criteria: ACMG Guidelines, 2015. Collection method: clinical testing. Allele origin: germline.

Natera, Inc.
Classification: Benign for Nephrogenic diabetes insipidus. Last evaluated: 2019-09-09. Review status: no assertion criteria provided. Collection method: clinical testing. Allele origin: germline. Not counted in ClinVar's aggregate classification.

Diagnostic Laboratory, Department of Genetics, University Medical Center Groningen
Classification: Benign for Diabetes insipidus, nephrogenic, autosomal. Review status: no assertion criteria provided. Collection method: clinical testing. Allele origin: germline. Affected: yes. Study: VKGL Data-share Consensus. Not counted in ClinVar's aggregate classification.

Joint Genome Diagnostic Labs from Nijmegen and Maastricht, Radboudumc and MUMC+
Classification: Benign. Review status: no assertion criteria provided. Collection method: clinical testing. Allele origin: germline. Affected: yes. Study: VKGL Data-share Consensus. Not counted in ClinVar's aggregate classification.

NM_000486.6(AQP2):c.360+3G>A

Gene: AQP2 (aquaporin 2; plus strand). Cytogenetic location: 12q13.12.
Variant type: single nucleotide variant.
Coding change: c.360+3G>A on transcript NM_000486.6 (MANE Select); 3 bases into the intron after coding-DNA position 360, G replaced by A.
Molecular consequence: intron variant.
Genome position (GRCh38, 1-based): chr12:49,951,193, G>A. VCF-style: chr12-49951193-G-A. GRCh37 (hg19) VCF-style: chr12-50344976-G-A.
Other names: p.?.
Identifiers: ClinVar variation 256243 (VCV000256243.26), dbSNP rs3741559, ClinGen allele CA6559208.